The following is an entry in ClinVar:

ClinVar aggregate classification (germline): Benign/Likely benign. Review status: criteria provided, multiple submitters, no conflicts (2 of 4 stars). 6 submissions from 6 submitters: Benign (1); Likely benign (5). Last evaluated 2025-12-06.

Conditions:
BAP1-related disorder. Also called: BAP1-related condition.
BAP1-related tumor predisposition syndrome (TPDS1). Also called: COMMON Syndrome; Tumor susceptibility linked to germline BAP1 mutations; BAP1 tumor predisposition syndrome; TUMOR PREDISPOSITION SYNDROME 1. Identifiers: Orphanet 289539, MedGen C3280492, MONDO:0013692, OMIM 614327.
Hereditary cancer-predisposing syndrome. Also called: Hereditary Cancer Syndrome; Tumor predisposition; Hereditary neoplastic syndrome; Neoplastic Syndromes, Hereditary. Identifiers: Orphanet 140162, MedGen C0027672, MeSH D009386, MONDO:0015356.

Allele frequency attached by ClinVar (database versions not stated): gnomAD exomes 0.00001; TOPMed 0.00001; gnomAD 0.00002.
gnomAD v4.1: 23 of 1,614,020 alleles (0.0014%); highest among the groups gnomAD compares: Non-Finnish European, 0.0019%; no homozygotes.

Submissions (6):

Labcorp Genetics (formerly Invitae), Labcorp
Classification: Likely benign for BAP1-related tumor predisposition syndrome. Last evaluated: 2025-12-06. Review status: criteria provided, single submitter. Criteria: Invitae Variant Classification Sherloc (09022015). Collection method: clinical testing. Allele origin: germline.

PreventionGenetics, part of Exact Sciences
Classification: Likely benign for BAP1-related condition. Last evaluated: 2025-09-08. Review status: criteria provided, single submitter. Criteria: ACMG Guidelines, 2015. Collection method: clinical testing. Allele origin: germline.
Comment: This variant is classified as likely benign based on ACMG/AMP sequence variant interpretation guidelines (Richards et al. 2015 PMID: 25741868, with internal and published modifications).

Myriad Genetics, Inc.
Classification: Benign for BAP1-related tumor predisposition syndrome. Last evaluated: 2024-07-16. Review status: criteria provided, single submitter. Criteria: Myriad Autosomal Dominant, Autosomal Recessive and X-Linked Classification Criteria (2023). Collection method: clinical testing. Allele origin: unknown.
Comment: This variant is considered benign. This variant is a silent/synonymous amino acid change and it is not expected to impact splicing.

CeGaT Center for Human Genetics Tuebingen
Classification: Likely benign. Last evaluated: 2022-03-01. Review status: criteria provided, single submitter. Criteria: CeGaT Center For Human Genetics Tuebingen Variant Classification Criteria Version 2. Collection method: clinical testing. Allele origin: germline. Affected: yes. Observed: 1 variant allele.
Comment: BAP1: BP4, BP7

Ambry Genetics
Classification: Likely benign for Hereditary cancer-predisposing syndrome. Last evaluated: 2019-12-10. Review status: criteria provided, single submitter. Criteria: Ambry Variant Classification Scheme 2023. Collection method: clinical testing. Allele origin: germline.

Color Diagnostics, LLC DBA Color Health
Classification: Likely benign for Hereditary cancer-predisposing syndrome. Last evaluated: 2018-03-12. Review status: criteria provided, single submitter. Criteria: ACMG Guidelines, 2015. Collection method: clinical testing. Allele origin: germline.

NM_004656.4(BAP1):c.1614G>A (p.Leu538=)

Gene: BAP1 (BRCA1 associated deubiquitinase 1; minus strand). Cytogenetic location: 3p21.1.
Variant type: single nucleotide variant.
Coding change: c.1614G>A on transcript NM_004656.4 (MANE Select); coding-DNA position 1614, G replaced by A.
Protein change: p.Leu538=; no amino-acid change (leucine 538 retained).
Molecular consequence: synonymous variant.
Genome position (GRCh38, 1-based): chr3:52,403,531, C>T on the plus strand (G>A on the coding strand, the complement: BAP1 is on the minus strand). VCF-style: chr3-52403531-C-T. GRCh37 (hg19) VCF-style: chr3-52437547-C-T.
Identifiers: ClinVar variation 627920 (VCV000627920.42), dbSNP rs1335001283, ClinGen allele CA433886014.
Genomic context (GRCh38, chr3:52,403,531, plus strand): 5'-GCTGATGACAGGACCCAGATCACGGACAGCACGGTTGTAGCGTATGCAGTCAACACGCAG[C>T]AGGCTGTCATCCTCTCCAAAAAGCACCTTGGAGATGTGGGAGGTGACAGGGCTGGAGGGC-3'
Protein context (NP_004647.1, residues 528-548): SKVLFGEDDS[Leu538=]LRVDCIRYNR